The following is an entry in ClinVar:

ClinVar aggregate classification (germline): Conflicting classifications of pathogenicity. Review status: criteria provided, conflicting classifications (1 of 4 stars). 3 submissions from 3 submitters: Likely pathogenic (2); Uncertain significance (1). Last evaluated 2026-06-24.

Conditions:
Von Hippel-Lindau syndrome (VHLS). Also called: VHL syndrome; Von Hippel-Lindau; von Hippel–Lindau syndrome. Identifiers: Orphanet 892, MedGen C0019562, MONDO:0008667, OMIM 193300. Disease mechanism: loss of function.
Chuvash polycythemia. Also called: POLYCYTHEMIA, VHL-DEPENDENT. Identifiers: Orphanet 238557, MedGen C1837915, MONDO:0009892, OMIM 263400.
Hereditary cancer-predisposing syndrome. Also called: Neoplastic Syndromes, Hereditary; Hereditary Cancer Syndrome; Tumor predisposition; Hereditary neoplastic syndrome. Identifiers: Orphanet 140162, MedGen C0027672, MeSH D009386, MONDO:0015356.

Submissions (3):

Ambry Genetics
Classification: Likely pathogenic for Hereditary cancer-predisposing syndrome. Last evaluated: 2026-06-24. Review status: criteria provided, single submitter. Criteria: Ambry Variant Classification Scheme 2023. Collection method: clinical testing. Allele origin: germline.
Comment: The p.F76S variant (also known as c.227T>C), located in coding exon 1 of the VHL gene, results from a T to C substitution at nucleotide position 227. The phenylalanine at codon 76 is replaced by serine, an amino acid with highly dissimilar properties. This variant was reported in individual(s) with features consistent with von Hippel-Lindau syndrome (VHL) (Stolle C et al. Hum Mutat, 1998;12:417-23). This variant was determined to be functionally deleterious in one saturation genome editing assay (Buckley M et al. Nat Genet, 2024 Jul;56:1446-1455). Other variant(s) at the same codon, p.F76Y (c.227T>A), have been identified in individual(s) with features consistent with VHL (Ambry internal data). This variant is considered to be rare based on population cohorts in the Genome Aggregation Database (gnomAD). This amino acid position is highly conserved in available vertebrate species. In addition, this alteration is predicted to be deleterious by in silico analysis. Based on the majority of available evidence to date, this variant is likely to be pathogenic.

Labcorp Genetics (formerly Invitae), Labcorp
Classification: Likely pathogenic for Von Hippel-Lindau syndrome; Chuvash polycythemia. Last evaluated: 2025-08-10. Review status: criteria provided, single submitter. Criteria: Invitae Variant Classification Sherloc (09022015). Collection method: clinical testing. Allele origin: germline.
Comment: This sequence change replaces phenylalanine, which is neutral and non-polar, with serine, which is neutral and polar, at codon 76 of the VHL protein (p.Phe76Ser). This variant is not present in population databases (gnomAD no frequency). This missense change has been observed in individual(s) with von Hippel-Lindau syndrome (PMID: 9829911, 15881703). ClinVar contains an entry for this variant (Variation ID: 182976). Invitae Evidence Modeling of protein sequence and biophysical properties (such as structural, functional, and spatial information, amino acid conservation, physicochemical variation, residue mobility, and thermodynamic stability) indicates that this missense variant is expected to disrupt VHL protein function with a positive predictive value of 95%. This variant disrupts the p.Phe76 amino acid residue in VHL. Other variant(s) that disrupt this residue have been determined to be pathogenic (PMID: 9452032, 15881703; internal data). This suggests that this residue is clinically significant, and that variants that disrupt this residue are likely to be disease-causing. In summary, the currently available evidence indicates that the variant is pathogenic, but additional data are needed to prove that conclusively. Therefore, this variant has been classified as Likely Pathogenic.

Genomic Diagnostic Laboratory, Division of Genomic Diagnostics, Children's Hospital of Philadelphia
Classification: Uncertain significance for von Hippel-Lindau syndrome. Last evaluated: 2018-08-01. Review status: criteria provided, single submitter. Criteria: DGD Variant Analysis Guidelines. Collection method: clinical testing. Allele origin: germline. Affected: yes. Observed: 1 variant allele.

Literature cited by the submitters: PubMed 38969834 (cited by Ambry Genetics); PubMed 9829911 (cited by Ambry Genetics and Labcorp Genetics (formerly Invitae), Labcorp); PubMed 15881703 (cited by Labcorp Genetics (formerly Invitae), Labcorp); PubMed 9452032 (cited by Labcorp Genetics (formerly Invitae), Labcorp).

NM_000551.4(VHL):c.227T>C (p.Phe76Ser)

Gene: VHL (von Hippel-Lindau tumor suppressor; plus strand). Cytogenetic location: 3p25.3.
Variant type: single nucleotide variant.
Coding change: c.227T>C on transcript NM_000551.4 (MANE Select); coding-DNA position 227, T replaced by C.
Protein change: p.Phe76Ser; replaces phenylalanine 76 with serine.
Molecular consequence: missense variant.
Genome position (GRCh38, 1-based): chr3:10,142,074, T>C. VCF-style: chr3-10142074-T-C. GRCh37 (hg19) VCF-style: chr3-10183758-T-C.
Other names: c.227T>C, p.Phe76Ser (NM_001354723.2, NM_198156.3); short protein forms F76S.
Identifiers: ClinVar variation 182976 (VCV000182976.3), dbSNP rs730882033, ClinGen allele CA020125.